The following is an entry in ClinVar:

NM_001370259.2(MEN1):c.856C>A (p.Leu286Ile)

Gene: MEN1 (menin 1; minus strand). Cytogenetic location: 11q13.1.
Variant type: single nucleotide variant.
Coding change: c.856C>A on transcript NM_001370259.2 (MANE Select); coding-DNA position 856, C replaced by A.
Protein change: p.Leu286Ile; replaces leucine 286 with isoleucine.
Molecular consequence: missense variant. On other transcripts: non-coding transcript variant (4).
Genome position (GRCh38, 1-based): chr11:64,807,067, G>T on the plus strand (C>A on the coding strand, the complement: MEN1 is on the minus strand). VCF-style: chr11-64807067-G-T. GRCh37 (hg19) VCF-style: chr11-64574539-G-T.
Other names: c.871C>A, p.Leu291Ile (NM_000244.4, NM_001407145.1, NM_001407150.1 and 5 more transcripts); c.856C>A, p.Leu286Ile (NM_001370251.2, NM_001370260.2, NM_001370261.2 and 7 more transcripts); c.751C>A, p.Leu251Ile (NM_001370262.2, NM_001370263.2, NM_001407148.1 and 2 more transcripts); short protein forms L291I, L251I, L286I.
Identifiers: ClinVar variation 2450230 (VCV002450230.2), dbSNP rs542321016, ClinGen allele CA381183627.

ClinVar aggregate classification (germline): Uncertain significance (1 of 4 stars; one submission).

Conditions:
Hereditary cancer-predisposing syndrome. Also called: Neoplastic Syndromes, Hereditary; Tumor predisposition; Hereditary neoplastic syndrome; Hereditary Cancer Syndrome. Identifiers: Orphanet 140162, MedGen C0027672, MeSH D009386, MONDO:0015356.

Submission:

Ambry Genetics
Classification: Uncertain significance for Hereditary cancer-predisposing syndrome. Last evaluated: 2023-01-18. Review status: criteria provided, single submitter. Criteria: Ambry Variant Classification Scheme 2023. Collection method: clinical testing. Allele origin: germline.
Comment: The p.L286I variant (also known as c.856C>A), located in coding exon 5 of the MEN1 gene, results from a C to A substitution at nucleotide position 856. The leucine at codon 286 is replaced by isoleucine, an amino acid with highly similar properties. This amino acid position is conserved. In addition, this alteration is predicted to be deleterious by in silico analysis. Since supporting evidence is limited at this time, the clinical significance of this alteration remains unclear.